The following is an entry in ClinVar:

ClinVar aggregate classification (germline): Pathogenic (1 of 4 stars; one submission).

Conditions:
Alport syndrome. Also called: Hemorrhagic familial nephritis; Hemorrhagic hereditary nephritis; Congenital hereditary hematuria. Identifiers: Orphanet 63, MedGen C1567741, MONDO:0018965.

Submission:

Myriad Genetics, Inc.
Classification: Pathogenic for Alport syndrome. Last evaluated: 2023-09-03. Review status: criteria provided, single submitter. Criteria: Myriad Autosomal Dominant, Autosomal Recessive and X-Linked Classification Criteria (2023). Collection method: clinical testing. Allele origin: unknown.
Comment: NM_000091.4(COL4A3):c.3053_3054delGG(G1018Efs*8) is expected to be pathogenic in the context of Alport syndrome, COL4A3-related. This variant is predicted to lead to an abnormal or absent protein product due to the creation of a premature termination codon in COL4A3, a gene where loss-of-function variants are known to be pathogenic. Please note: this variant was assessed in the context of healthy population screening.

NM_000091.5(COL4A3):c.3053_3054del (p.Gly1018fs)

Genes: COL4A3 (collagen type IV alpha 3 chain; plus strand), MFF-DT (MFF divergent transcript; minus strand). Cytogenetic location: 2q36.3.
Variant type: Deletion.
Coding change: c.3053_3054del on transcript NM_000091.5 (MANE Select); coding-DNA positions 3053 to 3054, 2 bases deleted (GG; older notation c.3053_3054delGG).
Protein change: p.Gly1018fs; shifts the reading frame from glycine 1018.
Molecular consequence: frameshift variant.
Genome position (GRCh38, 1-based): chr2:227,290,071-227,290,072, GG deleted; deleting any 2 consecutive bases within chr2:227,290,069-227,290,072 gives the same sequence; the c. name uses the placement nearest the transcript's 3' end. VCF-style (leftmost placement, unchanged base first): chr2-227290068-TGG-T. GRCh37 (hg19) VCF-style: chr2-228154784-TGG-T.
Other names: short protein forms G1018fs.
Identifiers: ClinVar variation 5011546 (VCV005011546.1).